The following is an entry in ClinVar:

NM_013275.6(ANKRD11):c.3045C>G (p.Pro1015=)

Gene: ANKRD11 (ankyrin repeat domain 11; minus strand). Cytogenetic location: 16q24.3.
Variant type: single nucleotide variant.
Coding change: c.3045C>G on transcript NM_013275.6 (MANE Select); coding-DNA position 3045, C replaced by G.
Protein change: p.Pro1015=; no amino-acid change (proline 1015 retained).
Molecular consequence: synonymous variant.
Genome position (GRCh38, 1-based): chr16:89,283,497, G>C on the plus strand (C>G on the coding strand, the complement: ANKRD11 is on the minus strand). VCF-style: chr16-89283497-G-C. GRCh37 (hg19) VCF-style: chr16-89349905-G-C.
Other names: c.3045C>G, p.Pro1015= (NM_001256182.2, NM_001256183.2).
Identifiers: ClinVar variation 585405 (VCV000585405.83), dbSNP rs150652124, ClinGen allele CA8242439.

ClinVar aggregate classification (germline): Benign/Likely benign. Review status: criteria provided, multiple submitters, no conflicts (2 of 4 stars). 9 submissions from 9 submitters: Benign (4); Likely benign (3). 2 of the submissions do not count toward it. Last evaluated 2026-09-01.

Conditions:
Inborn genetic diseases. Identifiers: MedGen C0950123, MeSH D030342.
KBG syndrome (KBGS). Also called: ANKRD11-Related KBG Syndrome. Identifiers: Orphanet 2332, MedGen C0220687, MONDO:0007846, OMIM 148050.

Allele frequency attached by ClinVar (database versions not stated): TOPMed 0.00146; ESP Exome Variant Server 0.00154; 1000 Genomes Project 30x 0.00094; 1000 Genomes Project 0.00100.
gnomAD v4.1: 413 of 1,613,612 alleles (0.026%); highest among the groups gnomAD compares: African/African-American, 0.49%; 1 homozygote.

Submissions (9):

CeGaT Center for Human Genetics Tuebingen
Classification: Likely benign. Last evaluated: 2026-09-01. Review status: criteria provided, single submitter. Criteria: CeGaT Center For Human Genetics Tuebingen Variant Classification Criteria Version 2. Collection method: clinical testing. Allele origin: germline. Affected: yes. Observed: 4 variant alleles.
Comment: ANKRD11: BP4, BP7, BS1

Labcorp Genetics (formerly Invitae), Labcorp
Classification: Benign for KBG syndrome. Last evaluated: 2026-01-01. Review status: criteria provided, single submitter. Criteria: Invitae Variant Classification Sherloc (09022015). Collection method: clinical testing. Allele origin: germline.

Blueprint Genetics
Classification: Likely benign. Last evaluated: 2024-10-02. Review status: criteria provided, single submitter. Criteria: ACMG Guidelines, 2015. Collection method: clinical testing. Allele origin: germline.

Genome-Nilou Lab
Classification: Benign for KBG syndrome. Last evaluated: 2021-12-05. Review status: criteria provided, single submitter. Criteria: ACMG Guidelines, 2015. Collection method: clinical testing. Allele origin: germline. Affected: no.

GeneDx
Classification: Benign. Last evaluated: 2020-05-11. Review status: criteria provided, single submitter. Criteria: GeneDx Variant Classification Process June 2021. Collection method: clinical testing. Allele origin: germline. Affected: yes.

Athena Diagnostics
Classification: Benign. Last evaluated: 2018-02-23. Review status: criteria provided, single submitter. Criteria: Athena Diagnostics Criteria. Collection method: clinical testing. Allele origin: germline.

Ambry Genetics
Classification: Likely benign for Inborn genetic diseases. Last evaluated: 2017-04-21. Review status: criteria provided, single submitter. Criteria: Ambry Variant Classification Scheme 2023. Collection method: clinical testing. Allele origin: germline.

Clinical Genetics DNA and cytogenetics Diagnostics Lab, Erasmus MC, Erasmus Medical Center
Classification: Likely benign. Review status: no assertion criteria provided. Collection method: clinical testing. Allele origin: germline. Affected: yes. Study: VKGL Data-share Consensus. Not counted in ClinVar's aggregate classification.

Diagnostic Laboratory, Department of Genetics, University Medical Center Groningen
Classification: Likely benign. Review status: no assertion criteria provided. Collection method: clinical testing. Allele origin: germline. Affected: yes. Study: VKGL Data-share Consensus. Not counted in ClinVar's aggregate classification.